The following is an entry in ClinVar:

NM_007374.3(SIX6):c.65A>T (p.Glu22Val)

Genes: C14orf39 (chromosome 14 open reading frame 39; minus strand), SIX6 (SIX homeobox 6; plus strand). Cytogenetic location: 14q23.1.
Variant type: single nucleotide variant.
Coding change: c.65A>T on transcript NM_007374.3 (MANE Select); coding-DNA position 65, A replaced by T.
Protein change: p.Glu22Val; replaces glutamic acid 22 with valine.
Molecular consequence: missense variant.
Genome position (GRCh38, 1-based): chr14:60,509,463, A>T. VCF-style: chr14-60509463-A-T. GRCh37 (hg19) VCF-style: chr14-60976181-A-T.
Other names: short protein forms E22V.
Identifiers: ClinVar variation 2178909 (VCV002178909.2), dbSNP rs577043418, ClinGen allele CA7212549.

ClinVar aggregate classification (germline): Uncertain significance (1 of 4 stars; one submission).

Allele frequency attached by ClinVar (database versions not stated): gnomAD 0.00008; ExAC 0.00010; TOPMed 0.00010; gnomAD exomes 0.00011; 1000 Genomes Project 30x 0.00016; 1000 Genomes Project 0.00020.
gnomAD v4.1: 159 of 1,600,358 alleles (0.0099%); highest among the groups gnomAD compares: East Asian, 0.35%; no homozygotes.

Submission:

Labcorp Genetics (formerly Invitae), Labcorp
Classification: Uncertain significance. Last evaluated: 2024-12-16. Review status: criteria provided, single submitter. Criteria: Invitae Variant Classification Sherloc (09022015). Collection method: clinical testing. Allele origin: germline.
Comment: This sequence change replaces glutamic acid, which is acidic and polar, with valine, which is neutral and non-polar, at codon 22 of the SIX6 protein (p.Glu22Val). This variant is present in population databases (rs577043418, gnomAD 0.1%). This variant has not been reported in the literature in individuals affected with SIX6-related conditions. ClinVar contains an entry for this variant (Variation ID: 2178909). Invitae Evidence Modeling of protein sequence and biophysical properties (such as structural, functional, and spatial information, amino acid conservation, physicochemical variation, residue mobility, and thermodynamic stability) indicates that this missense variant is not expected to disrupt SIX6 protein function with a negative predictive value of 80%. In summary, the available evidence is currently insufficient to determine the role of this variant in disease. Therefore, it has been classified as a Variant of Uncertain Significance.